The following is an entry in ClinVar:

ClinVar aggregate classification (germline): Uncertain significance. Review status: criteria provided, multiple submitters, no conflicts (2 of 4 stars). 2 submissions from 2 submitters: Uncertain significance (2). Last evaluated 2025-09-03.

Conditions:
Peroxisome biogenesis disorder, complementation group 7 (CG7). Also called: Peroxisome biogenesis disorder, complementation group B. Identifiers: MedGen C1864399.
PEX10-related disorder. Also called: PEX10-related condition.

Submissions (2):

PreventionGenetics, part of Exact Sciences
Classification: Uncertain significance for PEX10-related condition. Last evaluated: 2025-09-03. Review status: criteria provided, single submitter. Criteria: ACMG Guidelines, 2015. Collection method: clinical testing. Allele origin: germline.
Comment: The PEX10 c.700C>G variant is predicted to result in the amino acid substitution p.Arg234Gly. To our knowledge, this variant has not been reported in the literature or in a large population database (gnomAD), indicating this variant is rare. At this time, the clinical significance of this variant is uncertain due to the absence of conclusive functional and genetic evidence.

Labcorp Genetics (formerly Invitae), Labcorp
Classification: Uncertain significance for Peroxisome biogenesis disorder, complementation group 7. Last evaluated: 2022-04-16. Review status: criteria provided, single submitter. Criteria: Invitae Variant Classification Sherloc (09022015). Collection method: clinical testing. Allele origin: germline.
Comment: This sequence change replaces arginine, which is basic and polar, with glycine, which is neutral and non-polar, at codon 234 of the PEX10 protein (p.Arg234Gly). This variant is not present in population databases (gnomAD no frequency). This variant has not been reported in the literature in individuals affected with PEX10-related conditions. Algorithms developed to predict the effect of missense changes on protein structure and function (SIFT, PolyPhen-2, Align-GVGD) all suggest that this variant is likely to be tolerated. In summary, the available evidence is currently insufficient to determine the role of this variant in disease. Therefore, it has been classified as a Variant of Uncertain Significance.

NM_002617.4(PEX10):c.640C>G (p.Arg214Gly)

Gene: PEX10 (peroxisomal biogenesis factor 10; minus strand). Cytogenetic location: 1p36.32.
Variant type: single nucleotide variant.
Coding change: c.640C>G on transcript NM_002617.4 (MANE Select); coding-DNA position 640, C replaced by G.
Protein change: p.Arg214Gly; replaces arginine 214 with glycine.
Molecular consequence: missense variant. On other transcripts: non-coding transcript variant (1).
Genome position (GRCh38, 1-based): chr1:2,406,856, G>C on the plus strand (C>G on the coding strand, the complement: PEX10 is on the minus strand). VCF-style: chr1-2406856-G-C. GRCh37 (hg19) VCF-style: chr1-2338295-G-C.
Other names: c.697C>G, p.Arg233Gly (NM_001374425.1); c.265C>G, p.Arg89Gly (NM_001374426.1); c.208C>G, p.Arg70Gly (NM_001374427.1); c.700C>G, p.Arg234Gly (NM_153818.2); c.700C>G (NM_153818.1); short protein forms R214G, R233G, R234G, R70G, R89G.
Identifiers: ClinVar variation 2096322 (VCV002096322.2), dbSNP rs536486149, ClinGen allele CA337985618.